The following is an entry in ClinVar:

ClinVar aggregate classification (germline): Pathogenic (1 of 4 stars; one submission).

Conditions:
Hypophosphatasia. Also called: Phosphoethanol-aminuria. Identifiers: Orphanet 436, MedGen C0020630, MeSH D007014, MONDO:0018570.

Submission:

Genomenon, Inc
Classification: Pathogenic for Hypophosphatasia. Last evaluated: 2025-08-29. Review status: criteria provided, single submitter. Criteria: Genomenon Sequence Variant Interpretation Standards. Collection method: curation. Allele origin: germline. Affected: yes.
Comment: ALPL p.Leu6Ter (c.17T>A) is a nonsense variant that introduces a premature stop codon at amino acid position 6, creating a truncated protein that may be subject to nonsense-mediated mRNA decay. This variant has been observed in at least one proband affected with hypophosphatasia (PMID:32973344). This variant has been described as L-12X in the literature. It is absent or not present at a significant frequency in gnomAD. In conclusion, we classify ALPL p.Leu6Ter (c.17T>A) as a pathogenic variant.

Literature cited by the submitters: PubMed 32973344.

NM_000478.6(ALPL):c.17T>A (p.Leu6Ter)

Gene: ALPL (alkaline phosphatase, biomineralization associated; plus strand). Cytogenetic location: 1p36.12.
Variant type: single nucleotide variant.
Coding change: c.17T>A on transcript NM_000478.6 (MANE Select); coding-DNA position 17, T replaced by A.
Protein change: p.Leu6Ter; replaces leucine 6 with a stop codon.
Molecular consequence: nonsense. On other transcripts: intron variant (2).
Genome position (GRCh38, 1-based): chr1:21,554,098, T>A. VCF-style: chr1-21554098-T-A. GRCh37 (hg19) VCF-style: chr1-21880591-T-A.
Other names: c.17T>A, p.Leu6Ter (NM_001369803.2, NM_001369804.2, NM_001369805.2); c.-104-6528T>A (NM_001127501.4); c.-54-6528T>A (NM_001177520.3); short protein forms L6*.
Identifiers: ClinVar variation 4086917 (VCV004086917.1).